The following is an entry in ClinVar:

ClinVar aggregate classification (germline): Uncertain significance (1 of 4 stars; one submission).

Conditions:
Charcot-Marie-Tooth disease type 2. Also called: Charcot-Marie-Tooth type 2. Identifiers: Orphanet 64746, MedGen C0270914, MONDO:0018993.

gnomAD v4.1: 1 of 1,613,718 alleles (0.000062%); highest among the groups gnomAD compares: South Asian, 0.0011%; no homozygotes.

Submission:

Labcorp Genetics (formerly Invitae), Labcorp
Classification: Uncertain significance for Charcot-Marie-Tooth disease type 2. Last evaluated: 2025-09-03. Review status: criteria provided, single submitter. Criteria: Invitae Variant Classification Sherloc (09022015). Collection method: clinical testing. Allele origin: germline.
Comment: This sequence change replaces lysine, which is basic and polar, with arginine, which is basic and polar, at codon 7 of the KIF1B protein (p.Lys7Arg). This variant is not present in population databases (gnomAD no frequency). This variant has not been reported in the literature in individuals affected with KIF1B-related conditions. Invitae Evidence Modeling of protein sequence and biophysical properties (such as structural, functional, and spatial information, amino acid conservation, physicochemical variation, residue mobility, and thermodynamic stability) indicates that this missense variant is not expected to disrupt KIF1B protein function with a negative predictive value of 80%. In summary, the available evidence is currently insufficient to determine the role of this variant in disease. Therefore, it has been classified as a Variant of Uncertain Significance.

NM_001365951.3(KIF1B):c.20A>G (p.Lys7Arg)

Genes: KIF1B (kinesin family member 1B; plus strand), LOC129388446 (MPRA-validated peak64 silencer; plus strand). Cytogenetic location: 1p36.22.
Variant type: single nucleotide variant.
Coding change: c.20A>G on transcript NM_001365951.3 (MANE Select); coding-DNA position 20, A replaced by G.
Protein change: p.Lys7Arg; replaces lysine 7 with arginine.
Molecular consequence: missense variant.
Genome position (GRCh38, 1-based): chr1:10,232,348, A>G. VCF-style: chr1-10232348-A-G. GRCh37 (hg19) VCF-style: chr1-10292406-A-G.
Other names: c.20A>G, p.Lys7Arg (NM_001365952.1, NM_001365953.1, NM_015074.3 and 1 more transcripts); short protein forms K7R.
Identifiers: ClinVar variation 4743284 (VCV004743284.1).